The following is an entry in ClinVar:

ClinVar aggregate classification (germline): Uncertain significance (1 of 4 stars; one submission).

Conditions:
Hypokalemic periodic paralysis, type 1. Also called: HypoPP; Hypokalemic Periodic Paralysis Type 1 (AD). Identifiers: Orphanet 681, MedGen C3714580, MONDO:0042979, OMIM 170400.
Malignant hyperthermia, susceptibility to, 5 (MHS5). Also called: CACNA1S-Related Malignant Hyperthermia Susceptibility. Identifiers: Orphanet 423, MedGen C1866077, MONDO:0011163, OMIM 601887.

Allele frequency attached by ClinVar (database versions not stated): gnomAD exomes below 0.00001.
gnomAD v4.1: 1 of 1,613,422 alleles (0.000062%); highest among the groups gnomAD compares: South Asian, 0.0011%; no homozygotes.

Submission:

Labcorp Genetics (formerly Invitae), Labcorp
Classification: Uncertain significance for Hypokalemic periodic paralysis, type 1; Malignant hyperthermia, susceptibility to, 5. Last evaluated: 2023-11-27. Review status: criteria provided, single submitter. Criteria: Invitae Variant Classification Sherloc (09022015). Collection method: clinical testing. Allele origin: germline.
Comment: This sequence change falls in intron 23 of the CACNA1S gene. It does not directly change the encoded amino acid sequence of the CACNA1S protein. It affects a nucleotide within the consensus splice site. This variant is not present in population databases (gnomAD no frequency). This variant has not been reported in the literature in individuals affected with CACNA1S-related conditions. Variants that disrupt the consensus splice site are a relatively common cause of aberrant splicing (PMID: 17576681, 9536098). Algorithms developed to predict the effect of sequence changes on RNA splicing suggest that this variant is not likely to affect RNA splicing. In summary, the available evidence is currently insufficient to determine the role of this variant in disease. Therefore, it has been classified as a Variant of Uncertain Significance.

Literature cited by the submitters: PubMed 17576681; PubMed 9536098.

NM_000069.3(CACNA1S):c.2907-3C>T

Gene: CACNA1S (calcium voltage-gated channel subunit alpha1 S; minus strand). Cytogenetic location: 1q32.1.
Variant type: single nucleotide variant.
Coding change: c.2907-3C>T on transcript NM_000069.3 (MANE Select); 3 bases into the intron before coding-DNA position 2907, C replaced by T.
Molecular consequence: intron variant.
Genome position (GRCh38, 1-based): chr1:201,062,093, G>A on the plus strand (C>T on the coding strand, the complement: CACNA1S is on the minus strand). VCF-style: chr1-201062093-G-A. GRCh37 (hg19) VCF-style: chr1-201031221-G-A.
Identifiers: ClinVar variation 2949752 (VCV002949752.3), dbSNP rs2464501864, ClinGen allele CA2649761855.
Genomic context (GRCh38, chr1:201,062,093, plus strand): 5'-GCGGTGACGCAGCTCTATCTGCATGGGGTCCCCGTCCTTGTACACGTAGTAGTAGCCCCT[G>A]TGGCAGGGAGGCCCAGTCACTCCACAGGGCATGGCTGGGCTGCCTTGCCCCACCCACATC-3'